The following is an entry in ClinVar:

NM_206933.4(USH2A):c.12666A>G (p.Thr4222=)

Gene: USH2A (usherin; minus strand). Cytogenetic location: 1q41.
Variant type: single nucleotide variant.
Coding change: c.12666A>G on transcript NM_206933.4 (MANE Select); coding-DNA position 12666, A replaced by G.
Protein change: p.Thr4222=; no amino-acid change (threonine 4222 retained).
Molecular consequence: synonymous variant.
Genome position (GRCh38, 1-based): chr1:215,675,245, T>C on the plus strand (A>G on the coding strand, the complement: USH2A is on the minus strand). VCF-style: chr1-215675245-T-C. GRCh37 (hg19) VCF-style: chr1-215848587-T-C.
Other names: p.T4222T:ACA>ACG; p.Thr4222=.
Identifiers: ClinVar variation 48403 (VCV000048403.39), dbSNP rs2797234, ClinGen allele CA143298.

ClinVar aggregate classification (germline): Benign. Review status: criteria provided, multiple submitters, no conflicts (2 of 4 stars). 13 submissions from 13 submitters: Benign (12). 1 of the submissions does not count toward it. Last evaluated 2026-02-04.

Conditions:
Retinal dystrophy. Also called: Inherited retinal dystrophy. Identifiers: Orphanet 71862, MedGen C0854723, MeSH D058499, MONDO:0019118, HP:0000556.
Usher syndrome type 2A. Also called: USHER SYNDROME, TYPE IIA; RETINAL DISEASE IN USHER SYNDROME TYPE IIA, MODIFIER OF. Identifiers: Orphanet 231178, Orphanet 886, MedGen C1848634, MONDO:0010169, OMIM 276901.

Allele frequency attached by ClinVar (database versions not stated): gnomAD 0.33839 and 0.33929; ExAC 0.36509; 1000 Genomes Project 0.30312; 1000 Genomes Project 30x 0.30512; ESP Exome Variant Server 0.33369; TOPMed 0.33529; gnomAD exomes 0.36980 and 0.37610.
gnomAD v4.1: 600,364 of 1,613,974 alleles (37%); highest among the groups gnomAD compares: Admixed American, 45%; 114,339 homozygotes.

Submissions (13):

Labcorp Genetics (formerly Invitae), Labcorp
Classification: Benign. Last evaluated: 2026-02-04. Review status: criteria provided, single submitter. Criteria: Invitae Variant Classification Sherloc (09022015). Collection method: clinical testing. Allele origin: germline.

Blueprint Genetics
Classification: Benign. Last evaluated: 2024-11-26. Review status: criteria provided, single submitter. Criteria: ACMG Guidelines, 2015. Collection method: clinical testing. Allele origin: germline.

ARUP Laboratories, Molecular Genetics and Genomics, ARUP Laboratories
Classification: Benign. Last evaluated: 2023-11-29. Review status: criteria provided, single submitter. Criteria: ARUP Molecular Germline Variant Investigation Process 2024. Collection method: clinical testing. Allele origin: germline.

Dept Of Ophthalmology, Nagoya University
Classification: Benign for Retinal dystrophy. Last evaluated: 2023-10-01. Review status: criteria provided, single submitter. Criteria: Submitter's publication. Collection method: research. Allele origin: germline. Affected: yes.

Women's Health and Genetics/Laboratory Corporation of America, LabCorp
Classification: Benign. Last evaluated: 2023-04-10. Review status: criteria provided, single submitter. Criteria: LabCorp Variant Classification Summary - May 2015. Collection method: clinical testing. Allele origin: germline.

Genome-Nilou Lab
Classification: Benign for Usher syndrome type 2A. Last evaluated: 2021-07-01. Review status: criteria provided, single submitter. Criteria: ACMG Guidelines, 2015. Collection method: clinical testing. Allele origin: germline. Affected: no.

Mayo Clinic Laboratories, Mayo Clinic
Classification: Benign. Last evaluated: 2019-05-23. Review status: criteria provided, single submitter. Criteria: ACMG Guidelines, 2015. Collection method: clinical testing. Allele origin: germline. Observed: 100 variant alleles.

Eurofins Ntd Llc (ga)
Classification: Benign. Last evaluated: 2015-01-21. Review status: criteria provided, single submitter. Criteria: EGL Classification Definitions 2015. Collection method: clinical testing. Allele origin: germline. Observed: 1 variant allele, 1 heterozygote.

GeneDx
Classification: Benign. Last evaluated: 2011-07-18. Review status: criteria provided, single submitter. Criteria: GeneDx Variant Classification (06012015). Collection method: clinical testing. Allele origin: germline. Affected: yes.
Comment: This variant is considered likely benign or benign based on one or more of the following criteria: it is a conservative change, it occurs at a poorly conserved position in the protein, it is predicted to be benign by multiple in silico algorithms, and/or has population frequency not consistent with disease.

Laboratory for Molecular Medicine, Mass General Brigham Personalized Medicine
Classification: Benign. Last evaluated: 2008-02-19. Review status: criteria provided, single submitter. Criteria: LMM Criteria. Collection method: clinical testing. Allele origin: germline. Observed: 1,281 variant alleles.

Breakthrough Genomics
Classification: Benign. Review status: criteria provided, single submitter. Criteria: ACMG Guidelines, 2015. Collection method: not provided. Allele origin: germline. Inheritance: Autosomal recessive inheritance. Affected: yes.

PreventionGenetics, part of Exact Sciences
Classification: Benign. Review status: criteria provided, single submitter. Criteria: ACMG Guidelines, 2015. Collection method: clinical testing. Allele origin: germline.

Natera, Inc.
Classification: Benign for Usher syndrome type 2A. Last evaluated: 2020-09-16. Review status: no assertion criteria provided. Collection method: clinical testing. Allele origin: germline. Not counted in ClinVar's aggregate classification.